The following is an entry in ClinVar:

ClinVar aggregate classification (germline): Uncertain significance (1 of 4 stars; one submission).

Conditions:
Developmental and epileptic encephalopathy, 17 (DEE17). Also called: Early infantile epileptic encephalopathy 17. Identifiers: Orphanet 1934, MedGen C3809606, MONDO:0014199, OMIM 615473.

Allele frequency attached by ClinVar (database versions not stated): gnomAD 0.00001; gnomAD exomes below 0.00001.
gnomAD v4.1: 2 of 1,613,800 alleles (0.00012%); highest among the groups gnomAD compares: Non-Finnish European, 0.00017%; no homozygotes.

Submission:

Centre for Mendelian Genomics, University Medical Centre Ljubljana
Classification: Uncertain significance for Developmental and epileptic encephalopathy, 17. Last evaluated: 2019-10-02. Review status: criteria provided, single submitter. Criteria: ACMG Guidelines, 2015. Collection method: clinical testing. Allele origin: unknown. Affected: yes.
Comment: This variant was classified as: Uncertain significance. The available evidence on this variant's pathogenicity is insufficient or conflicting. The following ACMG criteria were applied in classifying this variant: No criteria apply.

NM_020988.3(GNAO1):c.723+4106A>G

Gene: GNAO1 (G protein subunit alpha o1; plus strand). Cytogenetic location: 16q13.
Variant type: single nucleotide variant.
Coding change: c.723+4106A>G on transcript NM_020988.3 (MANE Select); 4106 bases into the intron after coding-DNA position 723, A replaced by G.
Molecular consequence: intron variant. On other transcripts: missense variant (1).
Genome position (GRCh38, 1-based): chr16:56,340,966, A>G. VCF-style: chr16-56340966-A-G. GRCh37 (hg19) VCF-style: chr16-56374878-A-G.
Other names: c.856A>G, p.Ile286Val (NM_138736.3); short protein forms I286V.
Identifiers: ClinVar variation 930767 (VCV000930767.3), dbSNP rs1437835350, ClinGen allele CA395953319.